The following is an entry in ClinVar:

ClinVar aggregate classification (germline): Uncertain significance (1 of 4 stars; one submission).

Conditions:
Desmin-related myofibrillar myopathy (MFM1). Also called: Myofibrillar myopathy 1; Desminopathy; MYOFIBRILLAR MYOPATHY WITH ARRHYTHMOGENIC RIGHT VENTRICULAR CARDIOMYOPATHY; DESMIN-RELATED MYOPATHY WITH ARRHYTHMOGENIC RIGHT VENTRICULAR CARDIOMYOPATHY; Desmin related myopathy (former name); Desmin storage myopathy (former name). Identifiers: Orphanet 363543, Orphanet 98909, MedGen C1832370, MONDO:0011076, OMIM 601419.

Submission:

Labcorp Genetics (formerly Invitae), Labcorp
Classification: Uncertain significance for Desmin-related myofibrillar myopathy. Last evaluated: 2020-08-25. Review status: criteria provided, single submitter. Criteria: Invitae Variant Classification Sherloc (09022015). Collection method: clinical testing. Allele origin: germline.
Comment: In summary, the available evidence is currently insufficient to determine the role of this variant in disease. Therefore, it has been classified as a Variant of Uncertain Significance. Algorithms developed to predict the effect of missense changes on protein structure and function are either unavailable or do not agree on the potential impact of this missense change (SIFT: "Deleterious"; PolyPhen-2: "Probably Damaging"; Align-GVGD: "Class C0"). This variant has not been reported in the literature in individuals with DES-related conditions. This variant is not present in population databases (ExAC no frequency). This sequence change replaces lysine with asparagine at codon 339 of the DES protein (p.Lys339Asn). The lysine residue is highly conserved and there is a moderate physicochemical difference between lysine and asparagine.

NM_001927.4(DES):c.1017G>C (p.Lys339Asn)

Gene: DES (desmin; plus strand). Cytogenetic location: 2q35.
Variant type: single nucleotide variant.
Coding change: c.1017G>C on transcript NM_001927.4 (MANE Select); coding-DNA position 1017, G replaced by C.
Protein change: p.Lys339Asn; replaces lysine 339 with asparagine.
Molecular consequence: missense variant. On other transcripts: intron variant (1).
Genome position (GRCh38, 1-based): chr2:219,420,947, G>C. VCF-style: chr2-219420947-G-C. GRCh37 (hg19) VCF-style: chr2-220285669-G-C.
Other names: c.1014G>C, p.Lys338Asn (NM_001382708.1); c.1017G>C, p.Lys339Asn (NM_001382710.1, NM_001382711.1, NM_001382712.1); c.747G>C, p.Lys249Asn (NM_001382713.1); c.736-537G>C (NM_001382709.1); short protein forms K249N, K338N, K339N.
Identifiers: ClinVar variation 1024467 (VCV001024467.9), dbSNP rs1954429823, ClinGen allele CA350693377.
Genomic context (GRCh38, chr2:219,420,947, plus strand): 5'-GGAGATGATGGAATACCGACACCAGATCCAGTCCTACACCTGCGAGATTGACGCCCTGAA[G>C]GGCACTGTGAGTCCCTGCCCACCTGGCCAGGCCCTGCCCCTTCCTGTCTGCAGTTCACAC-3'
Protein context (NP_001918.3, residues 329-349): QSYTCEIDAL[Lys339Asn]GTNDSLMRQM